The following is an entry in ClinVar:

NM_000942.5(PPIB):c.-8G>C

Gene: PPIB (peptidylprolyl isomerase B; minus strand). Cytogenetic location: 15q22.31.
Variant type: single nucleotide variant.
Coding change: c.-8G>C on transcript NM_000942.5 (MANE Select); 8 bases upstream of the start codon, G replaced by C.
Molecular consequence: 5 prime UTR variant.
Genome position (GRCh38, 1-based): chr15:64,162,994, C>G on the plus strand (G>C on the coding strand, the complement: PPIB is on the minus strand). VCF-style: chr15-64162994-C-G. GRCh37 (hg19) VCF-style: chr15-64455193-C-G.
Identifiers: ClinVar variation 1702050 (VCV001702050.5), dbSNP rs757856817, ClinGen allele CA7608646.
Genomic context (GRCh38, chr15:64,162,994, plus strand): 5'-ATGAGGGCGGCGGCAAGGAGCACCTTCATGTTGCGTTCGGAGAGGCGCAGCATCCACAGG[C>G]GGAGGCGAAAGCAGCCCGGACAGCTGAGGCCGGAAGAGGGTGGGGCCGCGGTGGCTAGGG-3'

ClinVar aggregate classification (germline): Uncertain significance. Review status: criteria provided, single submitter (1 of 4 stars). 2 submissions from 2 submitters: Uncertain significance (1). 1 of the submissions does not count toward it. Last evaluated 2019-11-01.

Conditions:
PPIB-related disorder. Also called: PPIB-related condition.
Osteogenesis imperfecta (OI). Identifiers: Orphanet 666, MedGen C0029434, MeSH D010013, MONDO:0019019.

gnomAD v4.1: 174 of 1,584,134 alleles (0.011%); highest among the groups gnomAD compares: Non-Finnish European, 0.014%; no homozygotes.

Submissions (2):

Genome Diagnostics Laboratory, The Hospital for Sick Children
Classification: Uncertain significance for Osteogenesis imperfecta. Last evaluated: 2019-11-01. Review status: criteria provided, single submitter. Criteria: ACMG Guidelines, 2015. Collection method: clinical testing. Allele origin: germline.

PreventionGenetics, part of Exact Sciences
Classification: Likely benign for PPIB-related condition. Last evaluated: 2019-06-10. Review status: no assertion criteria provided. Collection method: clinical testing. Allele origin: germline. Not counted in ClinVar's aggregate classification.
Comment: This variant is classified as likely benign based on ACMG/AMP sequence variant interpretation guidelines (Richards et al. 2015 PMID: 25741868, with internal and published modifications).